The following is an entry in ClinVar:

NM_001692.4(ATP6V1B1):c.145G>A (p.Gly49Arg)

Genes: ATP6V1B1 (ATPase H+ transporting V1 subunit B1; plus strand), ATP6V1B1-AS1 (ATP6V1B1 antisense RNA 1; minus strand). Cytogenetic location: 2p13.3.
Variant type: single nucleotide variant.
Coding change: c.145G>A on transcript NM_001692.4 (MANE Select); coding-DNA position 145, G replaced by A.
Protein change: p.Gly49Arg; replaces glycine 49 with arginine.
Molecular consequence: missense variant.
Genome position (GRCh38, 1-based): chr2:70,943,684, G>A. VCF-style: chr2-70943684-G-A. GRCh37 (hg19) VCF-style: chr2-71170814-G-A.
Other names: c.145G>A (NM_001692.3); short protein forms G49R.
Identifiers: ClinVar variation 2080738 (VCV002080738.3), dbSNP rs369442690, ClinGen allele CA1700915.
Genomic context (GRCh38, chr2:70,943,684, plus strand): 5'-GTGAGACCCCTACTCACCCCCGCCCCTCCCCCAGCCTACAGGACTGTGTGCAGCGTGAAC[G>A]GGCCCCTGGTGGTGCTGGACCGGGTCAAGGTAAGACTCTTCTGCTGCCTCCCTGGCACTA-3'
Protein context (NP_001683.2, residues 39-59): VTYRTVCSVN[Gly49Arg]PLVVLDRVKF

ClinVar aggregate classification (germline): Uncertain significance. Review status: criteria provided, multiple submitters, no conflicts (2 of 4 stars). 3 submissions from 3 submitters: Uncertain significance (2). 1 of the submissions does not count toward it. Last evaluated 2024-06-20.

Conditions:
ATP6V1B1-related disorder. Also called: ATP6V1B1-related condition.

Allele frequency attached by ClinVar (database versions not stated): ExAC 0.00003; gnomAD 0.00006; ESP Exome Variant Server 0.00008; TOPMed 0.00011.
gnomAD v4.1: 21 of 1,613,698 alleles (0.0013%); highest among the groups gnomAD compares: African/African-American, 0.021%; no homozygotes.

Submissions (3):

GeneDx
Classification: Uncertain significance. Last evaluated: 2024-06-20. Review status: criteria provided, single submitter. Criteria: GeneDx Variant Classification Process June 2021. Collection method: clinical testing. Allele origin: germline. Affected: yes.
Comment: In silico analysis supports that this missense variant has a deleterious effect on protein structure/function; Has not been previously published as pathogenic or benign to our knowledge

Labcorp Genetics (formerly Invitae), Labcorp
Classification: Uncertain significance. Last evaluated: 2022-03-01. Review status: criteria provided, single submitter. Criteria: Invitae Variant Classification Sherloc (09022015). Collection method: clinical testing. Allele origin: germline.
Comment: This sequence change replaces glycine, which is neutral and non-polar, with arginine, which is basic and polar, at codon 49 of the ATP6V1B1 protein (p.Gly49Arg). This variant is present in population databases (rs369442690, gnomAD 0.03%). This variant has not been reported in the literature in individuals affected with ATP6V1B1-related conditions. Algorithms developed to predict the effect of missense changes on protein structure and function are either unavailable or do not agree on the potential impact of this missense change (SIFT: "Deleterious"; PolyPhen-2: "Possibly Damaging"; Align-GVGD: "Class C15"). In summary, the available evidence is currently insufficient to determine the role of this variant in disease. Therefore, it has been classified as a Variant of Uncertain Significance.

PreventionGenetics, part of Exact Sciences
Classification: Uncertain significance for ATP6V1B1-related condition. Last evaluated: 2024-06-07. Review status: no assertion criteria provided. Collection method: clinical testing. Allele origin: germline. Not counted in ClinVar's aggregate classification.
Comment: The ATP6V1B1 c.145G>A variant is predicted to result in the amino acid substitution p.Gly49Arg. To our knowledge, this variant has not been reported in the literature. This variant is reported in 0.020% of alleles in individuals of African descent in gnomAD. At this time, the clinical significance of this variant is uncertain due to the absence of conclusive functional and genetic evidence.